The following is an entry in ClinVar:

ClinVar aggregate classification (germline): Pathogenic (1 of 4 stars; one submission).

Conditions:
Hereditary cancer-predisposing syndrome. Also called: Hereditary Cancer Syndrome; Neoplastic Syndromes, Hereditary; Tumor predisposition; Hereditary neoplastic syndrome. Identifiers: Orphanet 140162, MedGen C0027672, MeSH D009386, MONDO:0015356.

Submission:

Ambry Genetics
Classification: Pathogenic for Hereditary cancer-predisposing syndrome. Last evaluated: 2021-04-29. Review status: criteria provided, single submitter. Criteria: Ambry Variant Classification Scheme 2023. Collection method: clinical testing. Allele origin: germline.
Comment: The c.4802delT pathogenic mutation, located in coding exon 15 of the APC gene, results from a deletion of one nucleotide at nucleotide position 4802, causing a translational frameshift with a predicted alternate stop codon (p.L1601Yfs*49). This alteration occurs at the 3' terminus of theAPC gene, is not expected to trigger nonsense-mediated mRNA decay, and only impacts the last exon of the protein. However, premature stop codons are typically deleterious in nature and the impacted region is critical for protein function (Ambry internal data). Based on the supporting evidence, this alteration is interpreted as a disease-causing mutation.

NM_000038.6(APC):c.4802del (p.Leu1601fs)

Gene: APC (APC regulator of Wnt signaling pathway; plus strand). Cytogenetic location: 5q22.2.
Variant type: Deletion.
Coding change: c.4802del on transcript NM_000038.6 (MANE Select); coding-DNA position 4802, one base deleted (T; older notation c.4802delT).
Protein change: p.Leu1601fs; shifts the reading frame from leucine 1601.
Molecular consequence: frameshift variant.
Genome position (GRCh38, 1-based): chr5:112,840,396, T deleted; the last of 2 consecutive T bases (chr5:112,840,395-112,840,396); deleting either gives the same sequence. VCF-style (leftmost placement, unchanged base first): chr5-112840394-AT-A. GRCh37 (hg19) VCF-style: chr5-112176091-AT-A.
Other names: c.4802del, p.Leu1601fs (NM_001127510.3, NM_001354895.2); c.4748del, p.Leu1583fs (NM_001127511.3); c.4856del, p.Leu1619fs (NM_001354896.2); c.4832del, p.Leu1611fs (NM_001354897.2); c.4727del, p.Leu1576fs (NM_001354898.2); c.4718del, p.Leu1573fs (NM_001354899.2); c.4679del, p.Leu1560fs (NM_001354900.2); c.4625del, p.Leu1542fs (NM_001354901.2); and 16 more; short protein forms L1560fs, L1601fs, L1318fs, L1441fs, L1573fs, L1583fs, L1619fs, L1475fs.
Identifiers: ClinVar variation 1743208 (VCV001743208.2), dbSNP rs2533600789, ClinGen allele CA2580072573.